The following is an entry in ClinVar:

NM_003718.5(CDK13):c.2737A>G (p.Ile913Val)

Gene: CDK13 (cyclin dependent kinase 13; plus strand). Cytogenetic location: 7p14.1.
Variant type: single nucleotide variant.
Coding change: c.2737A>G on transcript NM_003718.5 (MANE Select); coding-DNA position 2737, A replaced by G.
Protein change: p.Ile913Val; replaces isoleucine 913 with valine.
Molecular consequence: missense variant.
Genome position (GRCh38, 1-based): chr7:40,063,057, A>G. VCF-style: chr7-40063057-A-G. GRCh37 (hg19) VCF-style: chr7-40102656-A-G.
Other names: c.2737A>G, p.Ile913Val (NM_031267.4); short protein forms I913V.
Identifiers: ClinVar variation 4740918 (VCV004740918.1).

ClinVar aggregate classification (germline): Uncertain significance (1 of 4 stars; one submission).

gnomAD v4.1: 30 of 1,613,822 alleles (0.0019%); highest among the groups gnomAD compares: African/African-American, 0.027%; no homozygotes.

Submission:

Labcorp Genetics (formerly Invitae), Labcorp
Classification: Uncertain significance. Last evaluated: 2025-05-10. Review status: criteria provided, single submitter. Criteria: Invitae Variant Classification Sherloc (09022015). Collection method: clinical testing. Allele origin: germline.
Comment: This sequence change replaces isoleucine, which is neutral and non-polar, with valine, which is neutral and non-polar, at codon 913 of the CDK13 protein (p.Ile913Val). This variant is present in population databases (rs368244089, gnomAD 0.03%). This variant has not been reported in the literature in individuals affected with CDK13-related conditions. Invitae Evidence Modeling of protein sequence and biophysical properties (such as structural, functional, and spatial information, amino acid conservation, physicochemical variation, residue mobility, and thermodynamic stability) indicates that this missense variant is expected to disrupt CDK13 protein function with a positive predictive value of 95%. In summary, the available evidence is currently insufficient to determine the role of this variant in disease. Therefore, it has been classified as a Variant of Uncertain Significance.